The following is an entry in ClinVar:

ClinVar aggregate classification (germline): Uncertain significance (1 of 4 stars; one submission).

gnomAD v4.1: 14 of 1,612,984 alleles (0.00087%); highest among the groups gnomAD compares: South Asian, 0.0066%; no homozygotes.

Submission:

GeneDx
Classification: Uncertain significance. Last evaluated: 2024-01-05. Review status: criteria provided, single submitter. Criteria: GeneDx Variant Classification Process June 2021. Collection method: clinical testing. Allele origin: germline. Affected: yes.
Comment: In silico analysis supports that this missense variant does not alter protein structure/function; Has not been previously published as pathogenic or benign to our knowledge

NM_016239.4(MYO15A):c.6238G>A (p.Glu2080Lys)

Gene: MYO15A (myosin XVA; plus strand). Cytogenetic location: 17p11.2.
Variant type: single nucleotide variant.
Coding change: c.6238G>A on transcript NM_016239.4 (MANE Select); coding-DNA position 6238, G replaced by A.
Protein change: p.Glu2080Lys; replaces glutamic acid 2080 with lysine.
Molecular consequence: missense variant.
Genome position (GRCh38, 1-based): chr17:18,144,557, G>A. VCF-style: chr17-18144557-G-A. GRCh37 (hg19) VCF-style: chr17-18047871-G-A.
Other names: short protein forms E2080K.
Identifiers: ClinVar variation 3367513 (VCV003367513.1).